The following is an entry in ClinVar:

ClinVar aggregate classification (germline): Benign/Likely benign. Review status: criteria provided, multiple submitters, no conflicts (2 of 4 stars). 3 submissions from 3 submitters: Benign (1); Likely benign (2). Last evaluated 2025-06-26.

Conditions:
Renal cell carcinoma. Identifiers: Orphanet 217071, MedGen C0007134, MeSH D002292, MONDO:0005086, HP:0005584.
Hereditary cancer-predisposing syndrome. Also called: Hereditary neoplastic syndrome; Tumor predisposition; Neoplastic Syndromes, Hereditary; Hereditary Cancer Syndrome. Identifiers: Orphanet 140162, MedGen C0027672, MeSH D009386, MONDO:0015356.
Papillary renal cell carcinoma type 1 (RCCP1). Also called: Renal adenocarcinoma; Renal cell carcinoma 1; Renal cell carcinoma, somatic; RENAL CELL CARCINOMA, PAPILLARY, 1, SOMATIC. Identifiers: Orphanet 47044, MedGen C1336839, OMIM 605074, HP:0011797.

Submissions (3):

Ambry Genetics
Classification: Likely benign for Hereditary cancer-predisposing syndrome. Last evaluated: 2025-06-26. Review status: criteria provided, single submitter. Criteria: Ambry Variant Classification Scheme 2023. Collection method: clinical testing. Allele origin: germline.

Myriad Genetics, Inc.
Classification: Benign for Papillary renal cell carcinoma type 1. Last evaluated: 2024-11-13. Review status: criteria provided, single submitter. Criteria: Myriad Autosomal Dominant, Autosomal Recessive and X-Linked Classification Criteria (2023). Collection method: clinical testing. Allele origin: unknown.
Comment: This variant is considered benign. This variant is a silent/synonymous amino acid change and it is not expected to impact splicing.

Labcorp Genetics (formerly Invitae), Labcorp
Classification: Likely benign for Renal cell carcinoma. Last evaluated: 2024-03-07. Review status: criteria provided, single submitter. Criteria: Invitae Variant Classification Sherloc (09022015). Collection method: clinical testing. Allele origin: germline.

NM_000245.4(MET):c.3439C>T (p.Leu1147=)

Gene: MET (MET proto-oncogene, receptor tyrosine kinase; plus strand). Cytogenetic location: 7q31.2.
Variant type: single nucleotide variant.
Coding change: c.3439C>T on transcript NM_000245.4 (MANE Select); coding-DNA position 3439, C replaced by T.
Protein change: p.Leu1147=; no amino-acid change (leucine 1147 retained).
Molecular consequence: synonymous variant.
Genome position (GRCh38, 1-based): chr7:116,778,874, C>T. VCF-style: chr7-116778874-C-T. GRCh37 (hg19) VCF-style: chr7-116418928-C-T.
Other names: c.3493C>T, p.Leu1165= (NM_001127500.3); c.2149C>T, p.Leu717= (NM_001324402.2); c.3493C>T (NM_001127500.1).
Identifiers: ClinVar variation 1544141 (VCV001544141.10), dbSNP rs1795070786, ClinGen allele CA457218912.